The following is an entry in ClinVar:

NM_001365480.1(CCDC88A):c.5170G>C (p.Asp1724His)

Gene: CCDC88A (coiled-coil and HOOK domain protein 88A; minus strand). Cytogenetic location: 2p16.1.
Variant type: single nucleotide variant.
Coding change: c.5170G>C on transcript NM_001365480.1 (MANE Select); coding-DNA position 5170, G replaced by C.
Protein change: p.Asp1724His; replaces aspartic acid 1724 with histidine.
Molecular consequence: missense variant.
Genome position (GRCh38, 1-based): chr2:55,295,978, C>G on the plus strand (G>C on the coding strand, the complement: CCDC88A is on the minus strand). VCF-style: chr2-55295978-C-G. GRCh37 (hg19) VCF-style: chr2-55523114-C-G.
Other names: c.5167G>C, p.Asp1723His (NM_001135597.2, NM_001254943.2); c.5086G>C, p.Asp1696His (NM_018084.5); short protein forms D1723H, D1724H, D1696H.
Identifiers: ClinVar variation 2149741 (VCV002149741.3), dbSNP rs1178583021, ClinGen allele CA346912052.

ClinVar aggregate classification (germline): Uncertain significance (1 of 4 stars; one submission).

Allele frequency attached by ClinVar (database versions not stated): gnomAD exomes below 0.00001.
gnomAD v4.1: 1 of 1,613,550 alleles (0.000062%); highest among the groups gnomAD compares: Non-Finnish European, 0.000085%; no homozygotes.

Submission:

Labcorp Genetics (formerly Invitae), Labcorp
Classification: Uncertain significance. Last evaluated: 2024-12-16. Review status: criteria provided, single submitter. Criteria: Invitae Variant Classification Sherloc (09022015). Collection method: clinical testing. Allele origin: germline.
Comment: This sequence change replaces aspartic acid, which is acidic and polar, with histidine, which is basic and polar, at codon 1723 of the CCDC88A protein (p.Asp1723His). This variant is present in population databases (no rsID available, gnomAD 0.0009%). This variant has not been reported in the literature in individuals affected with CCDC88A-related conditions. ClinVar contains an entry for this variant (Variation ID: 2149741). An algorithm developed to predict the effect of missense changes on protein structure and function (PolyPhen-2) suggests that this variant is likely to be tolerated. In summary, the available evidence is currently insufficient to determine the role of this variant in disease. Therefore, it has been classified as a Variant of Uncertain Significance.